The following is an entry in ClinVar:

NM_005198.5(CHKB):c.678-2A>T

Genes: CHKB-CPT1B (CHKB-CPT1B readthrough (NMD candidate); minus strand), CHKB (choline kinase beta; minus strand). Cytogenetic location: 22q13.33.
Variant type: single nucleotide variant.
Coding change: c.678-2A>T on transcript NM_005198.5 (MANE Select); the canonical splice acceptor site of the intron before coding-DNA position 678, A replaced by T.
Molecular consequence: splice acceptor variant.
Genome position (GRCh38, 1-based): chr22:50,580,418, T>A on the plus strand (A>T on the coding strand, the complement: CHKB is on the minus strand). VCF-style: chr22-50580418-T-A. GRCh37 (hg19) VCF-style: chr22-51018847-T-A.
Identifiers: ClinVar variation 3651983 (VCV003651983.2).

ClinVar aggregate classification (germline): Likely pathogenic (1 of 4 stars; one submission).

Conditions:
Megaconial type congenital muscular dystrophy (MDCMC). Also called: CHKB-Related Muscular Dystrophy; CHKB-Related Muscle Diseases; MUSCULAR DYSTROPHY, CONGENITAL, WITH MITOCHONDRIAL STRUCTURAL ABNORMALITIES. Identifiers: Orphanet 280671, MedGen C1865233, MONDO:0011246, OMIM 602541.

Submission:

Labcorp Genetics (formerly Invitae), Labcorp
Classification: Likely pathogenic for Megaconial type congenital muscular dystrophy. Last evaluated: 2024-05-02. Review status: criteria provided, single submitter. Criteria: Invitae Variant Classification Sherloc (09022015). Collection method: clinical testing. Allele origin: germline.
Comment: This sequence change affects an acceptor splice site in intron 5 of the CHKB gene. It is expected to disrupt RNA splicing. Variants that disrupt the donor or acceptor splice site typically lead to a loss of protein function (PMID: 16199547), and loss-of-function variants in CHKB are known to be pathogenic (PMID: 21665002). This variant is not present in population databases (gnomAD no frequency). This variant has not been reported in the literature in individuals affected with CHKB-related conditions. Algorithms developed to predict the effect of sequence changes on RNA splicing suggest that this variant may disrupt the consensus splice site. In summary, the currently available evidence indicates that the variant is pathogenic, but additional data are needed to prove that conclusively. Therefore, this variant has been classified as Likely Pathogenic.

Literature cited by the submitters: PubMed 16199547; PubMed 21665002.